The following is an entry in ClinVar:

NM_000428.3(LTBP2):c.2160C>A (p.Phe720Leu)

Gene: LTBP2 (latent transforming growth factor beta binding protein 2; minus strand). Cytogenetic location: 14q24.3.
Variant type: single nucleotide variant.
Coding change: c.2160C>A on transcript NM_000428.3 (MANE Select); coding-DNA position 2160, C replaced by A.
Protein change: p.Phe720Leu; replaces phenylalanine 720 with leucine.
Molecular consequence: missense variant.
Genome position (GRCh38, 1-based): chr14:74,528,691, G>T on the plus strand (C>A on the coding strand, the complement: LTBP2 is on the minus strand). VCF-style: chr14-74528691-G-T. GRCh37 (hg19) VCF-style: chr14-74995394-G-T.
Other names: short protein forms F720L.
Identifiers: ClinVar variation 4703559 (VCV004703559.1).
Genomic context (GRCh38, chr14:74,528,691, plus strand): 5'-GGACAGGCGGATGTCGGAGCTCGCGTAGGTGTAGCCGTGGCCGGCAGGGCAGATCTCTCT[G>T]AAGGCCTCTGCAAAGCCAACAGCCAGAGGACAAACTGAGAGGTGCTGTTCCTGCAGGAAA-3'
Protein context (NP_000419.1, residues 710-730): EKCPLPGTEA[Phe720Leu]REICPAGHGY

ClinVar aggregate classification (germline): Uncertain significance (1 of 4 stars; one submission).

gnomAD v4.1: 2 of 1,611,916 alleles (0.00012%); highest among the groups gnomAD compares: Admixed American, 0.0033%; no homozygotes.

Submission:

Labcorp Genetics (formerly Invitae), Labcorp
Classification: Uncertain significance. Last evaluated: 2025-05-08. Review status: criteria provided, single submitter. Criteria: Invitae Variant Classification Sherloc (09022015). Collection method: clinical testing. Allele origin: germline.
Comment: This sequence change replaces phenylalanine, which is neutral and non-polar, with leucine, which is neutral and non-polar, at codon 720 of the LTBP2 protein (p.Phe720Leu). This variant is present in population databases (rs74758312, gnomAD 0.003%). This variant has not been reported in the literature in individuals affected with LTBP2-related conditions. An algorithm developed to predict the effect of missense changes on protein structure and function (PolyPhen-2) suggests that this variant is likely to be disruptive. In summary, the available evidence is currently insufficient to determine the role of this variant in disease. Therefore, it has been classified as a Variant of Uncertain Significance.